The following is an entry in ClinVar:

NM_000038.6(APC):c.4754del (p.Thr1585fs)

Gene: APC (APC regulator of Wnt signaling pathway; plus strand). Cytogenetic location: 5q22.2.
Variant type: Deletion.
Coding change: c.4754del on transcript NM_000038.6 (MANE Select); coding-DNA position 4754, one base deleted (C; older notation c.4754delC).
Protein change: p.Thr1585fs; shifts the reading frame from threonine 1585.
Molecular consequence: frameshift variant. On other transcripts: non-coding transcript variant (2).
Genome position (GRCh38, 1-based): chr5:112,840,348, C deleted. VCF-style (leftmost placement, unchanged base first): chr5-112840347-AC-A. GRCh37 (hg19) VCF-style: chr5-112176044-AC-A.
Other names: c.4754del, p.Thr1585fs (NM_001127510.3, NM_001354895.2, NM_001407450.1); c.4700del, p.Thr1567fs (NM_001127511.3); c.4808del, p.Thr1603fs (NM_001354896.2, NM_001407447.1, NM_001407448.1 and 1 more transcripts); c.4784del, p.Thr1595fs (NM_001354897.2); c.4679del, p.Thr1560fs (NM_001354898.2); c.4670del, p.Thr1557fs (NM_001354899.2); c.4631del, p.Thr1544fs (NM_001354900.2); c.4577del, p.Thr1526fs (NM_001354901.2, NM_001407453.1); and 11 more; short protein forms T1456fs, T1526fs, T1544fs, T1578fs, T1201fs, T1302fs, T1502fs, T1567fs.
Identifiers: ClinVar variation 4715427 (VCV004715427.1).
Genomic context (GRCh38, chr5:112,840,347, plus strand): 5'-GATGATTCAGATGATGATGATATTGAAATACTAGAAGAATGTATTATTTCTGCCATGCCA[AC>A]AAAGTCATCACGTAAAGCAAAAAAGCCAGCCCAGACTGCTTCAAAATTACCTCCACCTGT-3'

ClinVar aggregate classification (germline): Pathogenic (1 of 4 stars; one submission).

Conditions:
Familial adenomatous polyposis 1 (FAP1). Also called: FAMILIAL ADENOMATOUS POLYPOSIS 1, ATTENUATED; POLYPOSIS, ADENOMATOUS INTESTINAL. Identifiers: MedGen C2713442, MONDO:0021056, OMIM 175100. Disease mechanism: loss of function.

Submission:

Labcorp Genetics (formerly Invitae), Labcorp
Classification: Pathogenic for Familial adenomatous polyposis 1. Last evaluated: 2025-03-19. Review status: criteria provided, single submitter. Criteria: Invitae Variant Classification Sherloc (09022015). Collection method: clinical testing. Allele origin: germline.
Comment: This sequence change creates a premature translational stop signal (p.Thr1585Lysfs*65) in the APC gene. While this is not anticipated to result in nonsense mediated decay, it is expected to disrupt the last 1259 amino acid(s) of the APC protein. This variant is not present in population databases (gnomAD no frequency). This variant has not been reported in the literature in individuals affected with APC-related conditions. This variant disrupts a region of the APC protein in which other variant(s) (p.Tyr2645Lysfs*14) have been determined to be pathogenic (PMID: 1316610, 8381579, 9824584, 22135120, 27081525; internal data). This suggests that this is a clinically significant region of the protein, and that variants that disrupt it are likely to be disease-causing. For these reasons, this variant has been classified as Pathogenic.

Literature cited by the submitters: PubMed 1316610; PubMed 8381579; PubMed 9824584; PubMed 22135120; PubMed 27081525.